The following is an entry in ClinVar:

NM_005359.6(SMAD4):c.1449T>G (p.Ser483Arg)

Gene: SMAD4 (SMAD family member 4; plus strand). Cytogenetic location: 18q21.2.
Variant type: single nucleotide variant.
Coding change: c.1449T>G on transcript NM_005359.6 (MANE Select); coding-DNA position 1449, T replaced by G.
Protein change: p.Ser483Arg; replaces serine 483 with arginine.
Molecular consequence: missense variant.
Genome position (GRCh38, 1-based): chr18:51,078,257, T>G. VCF-style: chr18-51078257-T-G. GRCh37 (hg19) VCF-style: chr18-48604627-T-G.
Other names: short protein forms S483R.
Identifiers: ClinVar variation 529929 (VCV000529929.9), dbSNP rs745598003, ClinGen allele CA8966100.
Genomic context (GRCh38, chr18:51,078,257, plus strand): 5'-AGGGAGGATGGGAAGAGATCACCCTGTCCCTCTGATGTCTTCCAAATCTTTTCTGTTAGG[T>G]CTGTCAGCTGCTGCTGGAATTGGTGTTGATGACCTTCGTCGCTTATGCATACTCAGGATG-3'
Protein context (NP_005350.1, residues 473-493): GSVGGIAPAI[Ser483Arg]LSAAAGIGVD

ClinVar aggregate classification (germline): Uncertain significance. Review status: criteria provided, multiple submitters, no conflicts (2 of 4 stars). 3 submissions from 3 submitters: Uncertain significance (3). Last evaluated 2026-02-11.

Conditions:
Hereditary cancer-predisposing syndrome. Also called: Neoplastic Syndromes, Hereditary; Hereditary neoplastic syndrome; Tumor predisposition; Hereditary Cancer Syndrome. Identifiers: Orphanet 140162, MedGen C0027672, MeSH D009386, MONDO:0015356.
Familial thoracic aortic aneurysm and aortic dissection (TAAD). Also called: Thoracic aortic aneurysms and dissections. Identifiers: Orphanet 91387, MedGen C4707243, MONDO:0019625.
Juvenile polyposis syndrome (JPS). Identifiers: Orphanet 2929, MedGen C0345893, MONDO:0017380, OMIM 174900.

Allele frequency attached by ClinVar (database versions not stated): gnomAD exomes below 0.00001; ExAC 0.00001.
gnomAD v4.1: 3 of 1,613,896 alleles (0.00019%); highest among the groups gnomAD compares: South Asian, 0.0033%; no homozygotes.

Submissions (3):

St. Jude Molecular Pathology, St. Jude Children's Research Hospital
Classification: Uncertain significance for Juvenile polyposis syndrome. Last evaluated: 2026-02-11. Review status: criteria provided, single submitter. Criteria: St. Jude Assertion Criteria 2020. Collection method: clinical testing. Allele origin: germline.
Comment: The SMAD4 c.1449T>G p.(Ser483Arg) missense change has a maximum subpopulation frequency of 0.003% in gnomAD v2.1.1. The in silico tool REVEL predicts a deleterious effect on protein function, but to our knowledge this prediction has not been confirmed by functional studies. To our knowledge, this variant has not been reported in individuals with juvenile polyposis syndrome. In summary, the evidence currently available is insufficient to determine the clinical significance of this variant. It has therefore been classified as of uncertain significance.

Ambry Genetics
Classification: Uncertain significance for Hereditary cancer-predisposing syndrome; Familial thoracic aortic aneurysm and aortic dissection. Last evaluated: 2025-04-07. Review status: criteria provided, single submitter. Criteria: Ambry Variant Classification Scheme 2023. Collection method: clinical testing. Allele origin: germline.
Comment: The p.S483R variant (also known as c.1449T>G), located in coding exon 11 of the SMAD4 gene, results from a T to G substitution at nucleotide position 1449. The serine at codon 483 is replaced by arginine, an amino acid with dissimilar properties. This amino acid position is highly conserved in available vertebrate species. In addition, this alteration is predicted to be deleterious by in silico analysis. Based on the available evidence, the clinical significance of this variant remains unclear.

Labcorp Genetics (formerly Invitae), Labcorp
Classification: Uncertain significance for Juvenile polyposis syndrome. Last evaluated: 2022-10-23. Review status: criteria provided, single submitter. Criteria: Invitae Variant Classification Sherloc (09022015). Collection method: clinical testing. Allele origin: germline.
Comment: This sequence change replaces serine, which is neutral and polar, with arginine, which is basic and polar, at codon 483 of the SMAD4 protein (p.Ser483Arg). This variant is present in population databases (rs745598003, gnomAD 0.003%). This variant has not been reported in the literature in individuals affected with SMAD4-related conditions. ClinVar contains an entry for this variant (Variation ID: 529929). Algorithms developed to predict the effect of missense changes on protein structure and function are either unavailable or do not agree on the potential impact of this missense change (SIFT: "Deleterious"; PolyPhen-2: "Benign"; Align-GVGD: "Class C0"). In summary, the available evidence is currently insufficient to determine the role of this variant in disease. Therefore, it has been classified as a Variant of Uncertain Significance.